The following is an entry in ClinVar:

ClinVar aggregate classification (germline): Likely pathogenic (1 of 4 stars; one submission).

Conditions:
Fabry disease. Also called: ALPHA-GALACTOSIDASE A DEFICIENCY; ANDERSON-FABRY DISEASE; CERAMIDE TRIHEXOSIDASE DEFICIENCY; GLA DEFICIENCY; HEREDITARY DYSTOPIC LIPIDOSIS; Angiokeratoma corporis diffusum. Identifiers: Orphanet 324, MedGen C0002986, MONDO:0010526, OMIM 301500, HP:0001071. Disease mechanism: Fabry disease is due to inactivating mutations in the X-linked GLA gene resulting in deficiency of the enzyme Alpha Galactosidase-A., loss of function.

Submission:

Genomenon, Inc
Classification: Likely pathogenic for Fabry disease. Last evaluated: 2026-09-08. Review status: criteria provided, single submitter. Criteria: Genomenon Sequence Variant Interpretation Standards - Updated. Collection method: curation. Allele origin: germline. Affected: yes.
Comment: GLA c.640-11T>A is an intronic variant located in the acceptor splice region of intron 4. This variant has been observed in at least one proband with clinical features consistent with Fabry disease (PMID:34922431;21738355;20505683). Functional or patient cell studies have been reported (PMID:21738355;20505683). At least one splicing study has demonstrated that this variant results in aberrant splicing (PMID:37254000). It is absent or not present at a significant frequency in gnomAD. In conclusion, we classify GLA c.640-11T>A as a likely pathogenic variant.

Literature cited by the submitters: PubMed 34922431; PubMed 21738355; PubMed 20505683; PubMed 37254000.

NM_000169.3(GLA):c.640-11T>A

Genes: GLA (galactosidase alpha; minus strand), RPL36A-HNRNPH2 (RPL36A-HNRNPH2 readthrough; plus strand). Cytogenetic location: Xq22.1.
Variant type: single nucleotide variant.
Coding change: c.640-11T>A on transcript NM_000169.3 (MANE Select); 11 bases into the intron before coding-DNA position 640, T replaced by A.
Molecular consequence: intron variant.
Genome position (GRCh38, 1-based): chrX:101,398,957, A>T on the plus strand (T>A on the coding strand, the complement: GLA is on the minus strand). VCF-style: chrX-101398957-A-T. GRCh37 (hg19) VCF-style: chrX-100653945-A-T.
Other names: c.300+3500A>T (NM_001199973.2); c.177+7135A>T (NM_001199974.2); c.763-11T>A (NM_001406747.1); c.640-11T>A (NM_001406748.1).
Identifiers: ClinVar variation 4087125 (VCV004087125.2).